The following is an entry in ClinVar:

ClinVar aggregate classification (germline): Uncertain significance (1 of 4 stars; one submission).

Conditions:
MHC class II deficiency. Also called: Bare lymphocyte syndrome 2; BLS, TYPE II. Identifiers: Orphanet 572, MedGen C5447452, MONDO:0008855.

Allele frequency attached by ClinVar (database versions not stated): gnomAD exomes 0.00002; ExAC 0.00003.
gnomAD v4.1: 17 of 1,614,116 alleles (0.0011%); highest among the groups gnomAD compares: Non-Finnish European, 0.0014%; no homozygotes.

Submission:

Labcorp Genetics (formerly Invitae), Labcorp
Classification: Uncertain significance for MHC class II deficiency. Last evaluated: 2022-06-13. Review status: criteria provided, single submitter. Criteria: Invitae Variant Classification Sherloc (09022015). Collection method: clinical testing. Allele origin: germline.
Comment: This sequence change replaces leucine, which is neutral and non-polar, with proline, which is neutral and non-polar, at codon 360 of the RFX5 protein (p.Leu360Pro). This variant is present in population databases (rs778736083, gnomAD 0.004%). This variant has not been reported in the literature in individuals affected with RFX5-related conditions. Algorithms developed to predict the effect of missense changes on protein structure and function are either unavailable or do not agree on the potential impact of this missense change (SIFT: "Tolerated"; PolyPhen-2: "Probably Damaging"; Align-GVGD: "Class C0"). In summary, the available evidence is currently insufficient to determine the role of this variant in disease. Therefore, it has been classified as a Variant of Uncertain Significance.

NM_001025603.2(RFX5):c.1079T>C (p.Leu360Pro)

Gene: RFX5 (regulatory factor X5; minus strand). Cytogenetic location: 1q21.3.
Variant type: single nucleotide variant.
Coding change: c.1079T>C on transcript NM_001025603.2 (MANE Select); coding-DNA position 1079, T replaced by C.
Protein change: p.Leu360Pro; replaces leucine 360 with proline.
Molecular consequence: missense variant.
Genome position (GRCh38, 1-based): chr1:151,342,958, A>G on the plus strand (T>C on the coding strand, the complement: RFX5 is on the minus strand). VCF-style: chr1-151342958-A-G. GRCh37 (hg19) VCF-style: chr1-151315434-A-G.
Other names: c.1079T>C, p.Leu360Pro (NM_000449.4, NM_001379412.1, NM_001379413.1 and 5 more transcripts); c.959T>C, p.Leu320Pro (NM_001379419.1, NM_001379420.1); short protein forms L320P, L360P.
Identifiers: ClinVar variation 1497730 (VCV001497730.5), dbSNP rs778736083, ClinGen allele CA1089672.